The following is an entry in ClinVar:

NM_032043.3(BRIP1):c.917dup (p.Asn306fs)

Gene: BRIP1 (BRCA1 interacting DNA helicase 1; minus strand). Cytogenetic location: 17q23.2.
Variant type: Duplication.
Coding change: c.917dup on transcript NM_032043.3 (MANE Select); coding-DNA position 917, one base duplicated (A; older notation c.917dupA).
Protein change: p.Asn306fs; shifts the reading frame from asparagine 306.
Molecular consequence: frameshift variant.
Genome position (GRCh38, 1-based): chr17:61,808,468, T duplicated on the plus strand (A on the coding strand, the reverse complement: BRIP1 is on the minus strand); the first of 5 consecutive T bases (chr17:61,808,468-61,808,472); duplicating any one gives the same sequence. VCF-style (leftmost placement, unchanged base first): chr17-61808467-G-GT. GRCh37 (hg19) VCF-style: chr17-59885828-G-GT.
Other names: c.917dupA (NM_032043.2); short protein forms N306fs.
Identifiers: ClinVar variation 479450 (VCV000479450.16), dbSNP rs1555609121, ClinGen allele CA658658676.

ClinVar aggregate classification (germline): Pathogenic/Likely pathogenic. Review status: criteria provided, multiple submitters, no conflicts (2 of 4 stars). 4 submissions from 4 submitters: Pathogenic (2); Likely pathogenic (1). 1 of the submissions does not count toward it. Last evaluated 2026-07-21.

Conditions:
Familial cancer of breast. Also called: hereditary breast carcinoma; Hereditary breast cancer; BREAST CANCER, FAMILIAL. Identifiers: Orphanet 227535, MedGen C0346153, MONDO:0016419, OMIM 114480. Disease mechanism: loss of function.
Hereditary cancer-predisposing syndrome. Also called: Neoplastic Syndromes, Hereditary; Hereditary neoplastic syndrome; Hereditary Cancer Syndrome; Tumor predisposition. Identifiers: Orphanet 140162, MedGen C0027672, MeSH D009386, MONDO:0015356.
Fanconi anemia complementation group J. Also called: BRIP1-Related Fanconi Anemia. Identifiers: Orphanet 84, MedGen C1836860, MONDO:0012187, OMIM 609054.

Submissions (4):

Ambry Genetics
Classification: Pathogenic for Hereditary cancer-predisposing syndrome. Last evaluated: 2026-07-21. Review status: criteria provided, single submitter. Criteria: Ambry Variant Classification Scheme 2023. Collection method: clinical testing. Allele origin: germline.
Comment: The c.917dupA pathogenic mutation, located in coding exon 6 of the BRIP1 gene, results from a duplication of A at nucleotide position 917, causing a translational frameshift with a predicted alternate stop codon (p.N306Kfs*13). This variant is considered to be rare based on population cohorts in the Genome Aggregation Database (gnomAD). This alteration is expected to result in loss of function by premature protein truncation or nonsense-mediated mRNA decay. As such, this alteration is interpreted as a disease-causing mutation.

Labcorp Genetics (formerly Invitae), Labcorp
Classification: Pathogenic for Familial cancer of breast; Fanconi anemia complementation group J. Last evaluated: 2024-01-05. Review status: criteria provided, single submitter. Criteria: Invitae Variant Classification Sherloc (09022015). Collection method: clinical testing. Allele origin: germline.
Comment: This sequence change creates a premature translational stop signal (p.Asn306Lysfs*13) in the BRIP1 gene. It is expected to result in an absent or disrupted protein product. Loss-of-function variants in BRIP1 are known to be pathogenic (PMID: 16116423, 17033622, 21964575). This variant is not present in population databases (gnomAD no frequency). This premature translational stop signal has been observed in individual(s) with breast cancer (PMID: 33558524). ClinVar contains an entry for this variant (Variation ID: 479450). For these reasons, this variant has been classified as Pathogenic.

GeneDx
Classification: Likely pathogenic. Last evaluated: 2017-11-06. Review status: criteria provided, single submitter. Criteria: GeneDx Variant Classification (06012015). Collection method: clinical testing. Allele origin: germline. Affected: yes.
Comment: This duplication of one nucleotide in BRIP1 is denoted c.917dupA at the cDNA level and p.Asn306LysfsX13 (N306KfsX13) at the protein level. The normal sequence, with the base that is duplicated in brackets, is GAAAA[dupA]GTGA. The duplication causes a frameshift which changes an Asparagine to a Lysine at codon 306, and creates a premature stop codon at position 13 of the new reading frame. Although this variant has not, to our knowledge, been reported in the literature, it is predicted to cause loss of normal protein function through either protein truncation or nonsense-mediated mRNA decay. Based on the currently available information, we consider this duplication to be a likely pathogenic variant.

Center of Medical Genetics and Primary Health Care
Classification: Pathogenic for Familial cancer of breast. Last evaluated: 2020-04-08. Review status: no assertion criteria provided. Collection method: research. Allele origin: germline. Affected: yes. Observed: 1 heterozygote. Not counted in ClinVar's aggregate classification.
Comment: ACMG Guidelines 2015 criteria The BRIP1 gene pathogenic variant Asn306Lysfs is in exon 7 in the DEAD_2 domain (F248-415L aa) and in a mutation hotspot of 9 pathogenic variants (PM1 Pathogenic Moderate). This represents a conserved region within a number of RAD3-like DNA-binding helicases that are seemingly ubiquitousâ€“ members include proteins of eukaryotic, bacterial and archaeal origin. RAD3 is involved in nucleotide excision repair, and forms part of the transcription factor TFIIH in yeast. This deleterious frame shift mutation distroys the downstream BRCA1 binding domain which is an established disease mechanism in hereditary breast and ovarian cancer (PVS1 Pathogenic Very Strong). This variant is not found in GnomAD exomes neither in GnomAD genomes (PM2 Pathogenic Moderate). 1 pathogenic prediction from GERP versus no benign predictions supports its deleterious effect (PP3 Pathogenic Supporting). This variant is reported in ClinVar as a pathogenic or a likely pathogenic variant. Therefore, this variant was classified as a Pathogenic.

Literature cited by the submitters: PubMed 16116423 (cited by Labcorp Genetics (formerly Invitae), Labcorp); PubMed 17033622 (cited by Labcorp Genetics (formerly Invitae), Labcorp); PubMed 21964575 (cited by Labcorp Genetics (formerly Invitae), Labcorp); PubMed 33558524 (cited by Labcorp Genetics (formerly Invitae), Labcorp).